The following is an entry in ClinVar:

ClinVar aggregate classification (germline): Uncertain significance (1 of 4 stars; one submission).

Conditions:
Neuropathy, hereditary sensory, type 2C. Also called: Hereditary sensory and autonomic neuropathy type IIC; KIF1A-Related HSAN2 (HSAN2C). Identifiers: Orphanet 970, MedGen C3280168, MONDO:0013634, OMIM 614213.
Intellectual disability, autosomal dominant 9 (NESCAVS). Also called: NESCAV SYNDROME; KIF1A-Related Neurodevelopmental Disorder. Identifiers: Orphanet 662367, MedGen C5393830, MONDO:0013656, OMIM 614255.
Hereditary spastic paraplegia 30. Identifiers: Orphanet 101010, MedGen C5235139, MONDO:0012476.

Allele frequency attached by ClinVar (database versions not stated): TOPMed 0.00001.

Submission:

Labcorp Genetics (formerly Invitae), Labcorp
Classification: Uncertain significance for Hereditary spastic paraplegia 30; Neuropathy, hereditary sensory, type 2C; Intellectual disability, autosomal dominant 9. Last evaluated: 2024-12-09. Review status: criteria provided, single submitter. Criteria: Invitae Variant Classification Sherloc (09022015). Collection method: clinical testing. Allele origin: germline.
Comment: This sequence change replaces arginine, which is basic and polar, with tryptophan, which is neutral and slightly polar, at codon 601 of the KIF1A protein (p.Arg601Trp). This variant is not present in population databases (gnomAD no frequency). This variant has not been reported in the literature in individuals affected with KIF1A-related conditions. ClinVar contains an entry for this variant (Variation ID: 2146852). Invitae Evidence Modeling of protein sequence and biophysical properties (such as structural, functional, and spatial information, amino acid conservation, physicochemical variation, residue mobility, and thermodynamic stability) indicates that this missense variant is expected to disrupt KIF1A protein function with a positive predictive value of 80%. In summary, the available evidence is currently insufficient to determine the role of this variant in disease. Therefore, it has been classified as a Variant of Uncertain Significance.

NM_001244008.2(KIF1A):c.1828C>T (p.Arg610Trp)

Gene: KIF1A (kinesin family member 1A; minus strand). Cytogenetic location: 2q37.3.
Variant type: single nucleotide variant.
Coding change: c.1828C>T on transcript NM_001244008.2 (MANE Select); coding-DNA position 1828, C replaced by T.
Protein change: p.Arg610Trp; replaces arginine 610 with tryptophan.
Molecular consequence: missense variant.
Genome position (GRCh38, 1-based): chr2:240,763,287, G>A on the plus strand (C>T on the coding strand, the complement: KIF1A is on the minus strand). VCF-style: chr2-240763287-G-A. GRCh37 (hg19) VCF-style: chr2-241702704-G-A.
Other names: c.1828C>T, p.Arg610Trp (NM_001320705.2, NM_001330289.2, NM_001379638.1); c.1903C>T, p.Arg635Trp (NM_001330290.2, NM_001379631.1, NM_001379634.1 and 2 more transcripts); c.1801C>T, p.Arg601Trp (NM_001379632.1, NM_001379633.1, NM_001379636.1 and 11 more transcripts); c.1876C>T, p.Arg626Trp (NM_001379637.1, NM_001379648.1); short protein forms R601W, R610W, R635W, R626W.
Identifiers: ClinVar variation 2146852 (VCV002146852.4), dbSNP rs1309170008, ClinGen allele CA351327190.
Genomic context (GRCh38, chr2:240,763,287, plus strand): 5'-AGGCCCAGTCCACAGGCTCAGCTGGCGTCTCCGCACAAGGCGTGCGCTCACGCTCCTGCC[G>A]GGCCTGCTCGGGGTGGTTGAACCGGAACACATGGCTCTTACCCATGATGATGCGGTTTCC-3'
Protein context (NP_001230937.1, residues 600-620): VFRFNHPEQA[Arg610Trp]QERERTPCAE